The following is an entry in ClinVar:

NM_016366.3(CABP2):c.127C>T (p.Pro43Ser)

Gene: CABP2 (calcium binding protein 2; minus strand). Cytogenetic location: 11q13.2.
Variant type: single nucleotide variant.
Coding change: c.127C>T on transcript NM_016366.3 (MANE Select); coding-DNA position 127, C replaced by T.
Protein change: p.Pro43Ser; replaces proline 43 with serine.
Molecular consequence: missense variant. On other transcripts: synonymous variant (1).
Genome position (GRCh38, 1-based): chr11:67,522,632, G>A on the plus strand (C>T on the coding strand, the complement: CABP2 is on the minus strand). VCF-style: chr11-67522632-G-A. GRCh37 (hg19) VCF-style: chr11-67290103-G-A.
Other names: c.141C>T, p.Arg47= (NM_001318496.2); short protein forms P43S.
Identifiers: ClinVar variation 2671675 (VCV002671675.2), dbSNP rs753393128, ClinGen allele CA6142585.

ClinVar aggregate classification (germline): Uncertain significance. Review status: criteria provided, multiple submitters, no conflicts (2 of 4 stars). 2 submissions from 2 submitters: Uncertain significance (2). Last evaluated 2025-08-13.

Conditions:
Autosomal recessive nonsyndromic hearing loss 93. Also called: Deafness, autosomal recessive 93. Identifiers: Orphanet 90636, MedGen C3888355, MONDO:0013963, OMIM 614899.

Allele frequency attached by ClinVar (database versions not stated): gnomAD exomes 0.00003; ExAC 0.00020.
gnomAD v4.1: 39 of 1,548,322 alleles (0.0025%); highest among the groups gnomAD compares: South Asian, 0.035%; no homozygotes.

Submissions (2):

Labcorp Genetics (formerly Invitae), Labcorp
Classification: Uncertain significance. Last evaluated: 2025-08-13. Review status: criteria provided, single submitter. Criteria: Invitae Variant Classification Sherloc (09022015). Collection method: clinical testing. Allele origin: germline.
Comment: This sequence change replaces proline, which is neutral and non-polar, with serine, which is neutral and polar, at codon 43 of the CABP2 protein (p.Pro43Ser). This variant is present in population databases (rs753393128, gnomAD 0.06%). This variant has not been reported in the literature in individuals affected with CABP2-related conditions. ClinVar contains an entry for this variant (Variation ID: 2671675). An algorithm developed to predict the effect of missense changes on protein structure and function outputs the following: PolyPhen-2: "Benign". The serine amino acid residue is found in multiple mammalian species, which suggests that this missense change does not adversely affect protein function. In summary, the available evidence is currently insufficient to determine the role of this variant in disease. Therefore, it has been classified as a Variant of Uncertain Significance.

Neuberg Centre For Genomic Medicine, NCGM
Classification: Uncertain significance for Autosomal recessive nonsyndromic hearing loss 93. Last evaluated: 2023-03-01. Review status: criteria provided, single submitter. Criteria: ACMG Guidelines, 2015. Collection method: clinical testing. Allele origin: germline. Inheritance: Autosomal recessive inheritance. Affected: yes.
Comment: The missense variant c.127C>T(p.Pro43Ser) in CABP2 gene has not been reported previously as a pathogenic variant nor as a benign variant, to our knowledge. The variant has 0.01% allele frequency in gnomAD Exomes and is novel (not in any individuals) in 1000 Genomes. The amino acid Proline at position 43 is changed to a Serine changing protein sequence and it might alter its composition and physico-chemical properties. The amino acid change p.Pro43Ser in CABP2 is predicted as conserved by GERP++ and PhyloP across 100 vertebrates. For these reasons, this variant has been classified as Uncertain Significance.